The following is an entry in ClinVar:

NM_024675.4(PALB2):c.3238A>T (p.Lys1080Ter)

Gene: PALB2 (partner and localizer of BRCA2; minus strand). Cytogenetic location: 16p12.2.
Variant type: single nucleotide variant.
Coding change: c.3238A>T on transcript NM_024675.4 (MANE Select); coding-DNA position 3238, A replaced by T.
Protein change: p.Lys1080Ter; replaces lysine 1080 with a stop codon.
Molecular consequence: nonsense. On other transcripts: intron variant (8).
Genome position (GRCh38, 1-based): chr16:23,607,976, T>A on the plus strand (A>T on the coding strand, the complement: PALB2 is on the minus strand). VCF-style: chr16-23607976-T-A. GRCh37 (hg19) VCF-style: chr16-23619297-T-A.
Other names: c.3178A>T, p.Lys1060Ter (NM_001407296.1); c.3166A>T, p.Lys1056Ter (NM_001407297.1); c.3076A>T, p.Lys1026Ter (NM_001407298.1); c.2959A>T, p.Lys987Ter (NM_001407300.1); c.2353A>T, p.Lys785Ter (NM_001407304.1, NM_001407305.1, NM_001407306.1); c.2191A>T, p.Lys731Ter (NM_001407307.1); c.1450A>T, p.Lys484Ter (NM_001407312.1); c.772A>T, p.Lys258Ter (NM_001407314.1); and 6 more; short protein forms K1026*, K1056*, K1060*, K1080*, K258*, K484*, K731*, K785*.
Identifiers: ClinVar variation 2673863 (VCV002673863.1), dbSNP rs1966511830, ClinGen allele CA395139942.

ClinVar aggregate classification (germline): Pathogenic (1 of 4 stars; one submission).

Conditions:
Familial cancer of breast. Also called: Hereditary breast cancer; BREAST CANCER, FAMILIAL; hereditary breast carcinoma. Identifiers: Orphanet 227535, MedGen C0346153, MONDO:0016419, OMIM 114480. Disease mechanism: loss of function.

Submission:

Myriad Genetics, Inc.
Classification: Pathogenic for Familial cancer of breast. Last evaluated: 2023-09-14. Review status: criteria provided, single submitter. Criteria: Myriad Autosomal Dominant, Autosomal Recessive and X-Linked Classification Criteria (2023). Collection method: clinical testing. Allele origin: unknown.
Comment: This variant is considered pathogenic. This variant creates a termination codon and is predicted to result in premature protein truncation.